The following is an entry in ClinVar:

ClinVar aggregate classification (germline): Uncertain significance. Review status: criteria provided, multiple submitters, no conflicts (2 of 4 stars). 2 submissions from 2 submitters: Uncertain significance (2). Last evaluated 2024-06-10.

Conditions:
Retinitis pigmentosa 71 (RP71). Identifiers: Orphanet 791, MedGen C4225342, MONDO:0014618, OMIM 616394.
Short-rib thoracic dysplasia 10 with or without polydactyly (SRTD10). Identifiers: Orphanet 474, MedGen C3810175, MONDO:0014284, OMIM 615630.
Bardet-Biedl syndrome 20. Identifiers: MedGen C4310707, MONDO:0023670, OMIM 619471, MONDO:0014926.

Allele frequency attached by ClinVar (database versions not stated): TOPMed below 0.00001.

Submissions (2):

Fulgent Genetics
Classification: Uncertain significance for Short-rib thoracic dysplasia 10 with or without polydactyly; Retinitis pigmentosa 71; Bardet-Biedl syndrome 20. Last evaluated: 2024-06-10. Review status: criteria provided, single submitter. Criteria: ACMG Guidelines, 2015. Collection method: clinical testing. Allele origin: germline.

Labcorp Genetics (formerly Invitae), Labcorp
Classification: Uncertain significance for Retinitis pigmentosa 71; Short-rib thoracic dysplasia 10 with or without polydactyly. Last evaluated: 2022-04-30. Review status: criteria provided, single submitter. Criteria: Invitae Variant Classification Sherloc (09022015). Collection method: clinical testing. Allele origin: germline.
Comment: This sequence change replaces glutamine, which is neutral and polar, with glutamic acid, which is acidic and polar, at codon 1056 of the IFT172 protein (p.Gln1056Glu). This variant is not present in population databases (gnomAD no frequency). This variant has not been reported in the literature in individuals affected with IFT172-related conditions. ClinVar contains an entry for this variant (Variation ID: 1041989). Algorithms developed to predict the effect of missense changes on protein structure and function (SIFT, PolyPhen-2, Align-GVGD) all suggest that this variant is likely to be tolerated. In summary, the available evidence is currently insufficient to determine the role of this variant in disease. Therefore, it has been classified as a Variant of Uncertain Significance.

NM_015662.3(IFT172):c.3166C>G (p.Gln1056Glu)

Gene: IFT172 (intraflagellar transport 172; minus strand). Cytogenetic location: 2p23.3.
Variant type: single nucleotide variant.
Coding change: c.3166C>G on transcript NM_015662.3 (MANE Select); coding-DNA position 3166, C replaced by G.
Protein change: p.Gln1056Glu; replaces glutamine 1056 with glutamic acid.
Molecular consequence: missense variant.
Genome position (GRCh38, 1-based): chr2:27,457,701, G>C on the plus strand (C>G on the coding strand, the complement: IFT172 is on the minus strand). VCF-style: chr2-27457701-G-C. GRCh37 (hg19) VCF-style: chr2-27680568-G-C.
Other names: short protein forms Q1056E.
Identifiers: ClinVar variation 1041989 (VCV001041989.7), dbSNP rs1666272023, ClinGen allele CA346380140.
Genomic context (GRCh38, chr2:27,457,701, plus strand): 5'-TGTAGGCCTCTTCCCAAAGCCCACTGGCCCGGTACATGTTCACTGTTGCCTTCCATTCCT[G>C]GGCCTCGAGGTAGTGGTACTCAGCCTCCTGTAGTCGGCCTTCAGCCTCCAGCTCCTGCAG-3'
Protein context (NP_056477.1, residues 1046-1066): QEAEYHYLEA[Gln1056Glu]EWKATVNMYR